The following is an entry in ClinVar:

NM_016239.4(MYO15A):c.6182C>T (p.Pro2061Leu)

Gene: MYO15A (myosin XVA; plus strand). Cytogenetic location: 17p11.2.
Variant type: single nucleotide variant.
Coding change: c.6182C>T on transcript NM_016239.4 (MANE Select); coding-DNA position 6182, C replaced by T.
Protein change: p.Pro2061Leu; replaces proline 2061 with leucine.
Molecular consequence: missense variant.
Genome position (GRCh38, 1-based): chr17:18,144,501, C>T. VCF-style: chr17-18144501-C-T. GRCh37 (hg19) VCF-style: chr17-18047815-C-T.
Other names: short protein forms P2061L.
Identifiers: ClinVar variation 3075831 (VCV003075831.1), dbSNP rs747303031, ClinGen allele CA8424519.

ClinVar aggregate classification (germline): Uncertain significance (1 of 4 stars; one submission).

Allele frequency attached by ClinVar (database versions not stated): gnomAD exomes below 0.00001.
gnomAD v4.1: 2 of 1,613,404 alleles (0.00012%); highest among the groups gnomAD compares: Admixed American, 0.0033%; no homozygotes.

Submission:

Laboratory for Molecular Medicine, Mass General Brigham Personalized Medicine
Classification: Uncertain significance. Last evaluated: 2021-06-28. Review status: criteria provided, single submitter. Criteria: ACMG Guidelines, 2015. Collection method: clinical testing. Allele origin: germline.
Comment: The p.Pro2061Leu variant in MYO15A has not been previously reported in individuals with hearing loss but has been identified in 0.006% (2/34528) of Latino chromosomes by gnomAD. Computational prediction tools and conservation analyses do not provide strong support for or against an impact to the protein. In summary, the clinical significance of this variant is uncertain. ACMG/AMP Criteria applied: PM2_Supporting.